The following is an entry in ClinVar:

NM_001114134.2(EPB42):c.946G>A (p.Gly316Arg)

Gene: EPB42 (erythrocyte membrane protein band 4.2; minus strand). Cytogenetic location: 15q15.2.
Variant type: single nucleotide variant.
Coding change: c.946G>A on transcript NM_001114134.2 (MANE Select); coding-DNA position 946, G replaced by A.
Protein change: p.Gly316Arg; replaces glycine 316 with arginine.
Molecular consequence: missense variant.
Genome position (GRCh38, 1-based): chr15:43,208,662, C>T on the plus strand (G>A on the coding strand, the complement: EPB42 is on the minus strand). VCF-style: chr15-43208662-C-T. GRCh37 (hg19) VCF-style: chr15-43500860-C-T.
Other names: p.Gly346Arg; c.1036G>A, p.Gly346Arg (NM_000119.3); short protein forms G316R, G346R.
Identifiers: ClinVar variation 2689019 (VCV002689019.3), dbSNP rs368009876, ClinGen allele CA7520458.

ClinVar aggregate classification (germline): Uncertain significance. Review status: criteria provided, multiple submitters, no conflicts (2 of 4 stars). 2 submissions from 2 submitters: Uncertain significance (2). Last evaluated 2025-05-27.

Conditions:
Hereditary spherocytosis type 5. Also called: EPB42-Related Spherocytosis; EPB42-Related Hereditary Spherocytosis. Identifiers: Orphanet 822, MedGen C2675192, MONDO:0012985, OMIM 612690.

Allele frequency attached by ClinVar (database versions not stated): gnomAD 0.00001; gnomAD exomes 0.00001; TOPMed 0.00001; ExAC 0.00002; ESP Exome Variant Server 0.00008.
gnomAD v4.1: 9 of 1,614,012 alleles (0.00056%); highest among the groups gnomAD compares: South Asian, 0.0022%; no homozygotes.

Submissions (2):

Mayo Clinic Laboratories, Mayo Clinic
Classification: Uncertain significance. Last evaluated: 2025-05-27. Review status: criteria provided, single submitter. Criteria: ACMG Guidelines, 2015. Collection method: clinical testing. Allele origin: germline. Observed: 1 variant allele.
Comment: PM2_supporting

Revvity Omics, Revvity
Classification: Uncertain significance for Hereditary spherocytosis type 5. Last evaluated: 2023-03-01. Review status: criteria provided, single submitter. Criteria: ACMG Guidelines, 2015. Collection method: clinical testing. Allele origin: germline.